The following is an entry in ClinVar:

NM_020702.5(MYORG):c.477C>T (p.Tyr159=)

Gene: MYORG (myogenesis regulating glycosidase; minus strand). Cytogenetic location: 9p13.3.
Variant type: single nucleotide variant.
Coding change: c.477C>T on transcript NM_020702.5 (MANE Select); coding-DNA position 477, C replaced by T.
Protein change: p.Tyr159=; no amino-acid change (tyrosine 159 retained).
Molecular consequence: synonymous variant.
Genome position (GRCh38, 1-based): chr9:34,372,467, G>A on the plus strand (C>T on the coding strand, the complement: MYORG is on the minus strand). VCF-style: chr9-34372467-G-A. GRCh37 (hg19) VCF-style: chr9-34372465-G-A.
Identifiers: ClinVar variation 1681317 (VCV001681317.14), dbSNP rs564120812, ClinGen allele CA5033142.

ClinVar aggregate classification (germline): Likely benign. Review status: criteria provided, multiple submitters, no conflicts (2 of 4 stars). 2 submissions from 2 submitters: Likely benign (2). Last evaluated 2025-10-01.

Allele frequency attached by ClinVar (database versions not stated): gnomAD exomes 0.00005; ExAC 0.00007; TOPMed 0.00007; gnomAD 0.00008; 1000 Genomes Project 30x 0.00016; 1000 Genomes Project 0.00020.

Submissions (2):

CeGaT Center for Human Genetics Tuebingen
Classification: Likely benign. Last evaluated: 2025-10-01. Review status: criteria provided, single submitter. Criteria: CeGaT Center For Human Genetics Tuebingen Variant Classification Criteria Version 2. Collection method: clinical testing. Allele origin: germline. Affected: yes. Observed: 1 variant allele.
Comment: MYORG: BP4, BP7

Labcorp Genetics (formerly Invitae), Labcorp
Classification: Likely benign. Last evaluated: 2022-09-27. Review status: criteria provided, single submitter. Criteria: Invitae Variant Classification Sherloc (09022015). Collection method: clinical testing. Allele origin: germline.